The following is an entry in ClinVar:

ClinVar aggregate classification (germline): Uncertain significance (1 of 4 stars; one submission).

Conditions:
Familial adenomatous polyposis 1 (FAP1). Also called: FAMILIAL ADENOMATOUS POLYPOSIS 1, ATTENUATED; POLYPOSIS, ADENOMATOUS INTESTINAL. Identifiers: MedGen C2713442, MONDO:0021056, OMIM 175100. Disease mechanism: loss of function.

Submission:

Labcorp Genetics (formerly Invitae), Labcorp
Classification: Uncertain significance for Familial adenomatous polyposis 1. Last evaluated: 2020-08-23. Review status: criteria provided, single submitter. Criteria: Invitae Variant Classification Sherloc (09022015). Collection method: clinical testing. Allele origin: germline.
Comment: Algorithms developed to predict the effect of missense changes on protein structure and function (SIFT, PolyPhen-2, Align-GVGD) all suggest that this variant is likely to be tolerated, but these predictions have not been confirmed by published functional studies and their clinical significance is uncertain. In summary, the available evidence is currently insufficient to determine the role of this variant in disease. Therefore, it has been classified as a Variant of Uncertain Significance. This variant has not been reported in the literature in individuals with APC-related conditions. This variant is not present in population databases (ExAC no frequency). This sequence change replaces isoleucine with serine at codon 2644 of the APC protein (p.Ile2644Ser). The isoleucine residue is moderately conserved and there is a large physicochemical difference between isoleucine and serine.

NM_000038.6(APC):c.7931T>G (p.Ile2644Ser)

Gene: APC (APC regulator of Wnt signaling pathway; plus strand). Cytogenetic location: 5q22.2.
Variant type: single nucleotide variant.
Coding change: c.7931T>G on transcript NM_000038.6 (MANE Select); coding-DNA position 7931, T replaced by G.
Protein change: p.Ile2644Ser; replaces isoleucine 2644 with serine.
Molecular consequence: missense variant.
Genome position (GRCh38, 1-based): chr5:112,843,525, T>G. VCF-style: chr5-112843525-T-G. GRCh37 (hg19) VCF-style: chr5-112179222-T-G.
Other names: c.7808T>G, p.Ile2603Ser (NM_001354900.2); c.7754T>G, p.Ile2585Ser (NM_001354901.2); c.7658T>G, p.Ile2553Ser (NM_001354902.2); c.7931T>G, p.Ile2644Ser (NM_001127510.3, NM_001354895.2); c.7877T>G, p.Ile2626Ser (NM_001127511.3); c.7985T>G, p.Ile2662Ser (NM_001354896.2); c.7961T>G, p.Ile2654Ser (NM_001354897.2); c.7856T>G, p.Ile2619Ser (NM_001354898.2); and 5 more; short protein forms I2361S, I2484S, I2518S, I2543S, I2553S, I2585S, I2603S, I2616S.
Identifiers: ClinVar variation 1054021 (VCV001054021.10), dbSNP rs1064795916, ClinGen allele CA16038553.